The following is an entry in ClinVar:

NM_005720.4(ARPC1B):c.541G>A (p.Ala181Thr)

Gene: ARPC1B (actin related protein 2/3 complex subunit 1B; plus strand). Cytogenetic location: 7q22.1.
Variant type: single nucleotide variant.
Coding change: c.541G>A on transcript NM_005720.4 (MANE Select); coding-DNA position 541, G replaced by A.
Protein change: p.Ala181Thr; replaces alanine 181 with threonine.
Molecular consequence: missense variant.
Genome position (GRCh38, 1-based): chr7:99,390,933, G>A. VCF-style: chr7-99390933-G-A. GRCh37 (hg19) VCF-style: chr7-98988556-G-A.
Other names: short protein forms A181T.
Identifiers: ClinVar variation 4696701 (VCV004696701.1).

ClinVar aggregate classification (germline): Uncertain significance (1 of 4 stars; one submission).

gnomAD v4.1: 29 of 1,612,528 alleles (0.0018%); highest among the groups gnomAD compares: Non-Finnish European, 0.0023%; no homozygotes.

Submission:

Labcorp Genetics (formerly Invitae), Labcorp
Classification: Uncertain significance. Last evaluated: 2025-11-18. Review status: criteria provided, single submitter. Criteria: Invitae Variant Classification Sherloc (09022015). Collection method: clinical testing. Allele origin: germline.
Comment: This sequence change replaces alanine, which is neutral and non-polar, with threonine, which is neutral and polar, at codon 181 of the ARPC1B protein (p.Ala181Thr). This variant is present in population databases (rs752587907, gnomAD 0.004%). This variant has not been reported in the literature in individuals affected with ARPC1B-related conditions. Invitae Evidence Modeling of protein sequence and biophysical properties (such as structural, functional, and spatial information, amino acid conservation, physicochemical variation, residue mobility, and thermodynamic stability) indicates that this missense variant is not expected to disrupt ARPC1B protein function with a negative predictive value of 80%. In summary, the available evidence is currently insufficient to determine the role of this variant in disease. Therefore, it has been classified as a Variant of Uncertain Significance.